The following is an entry in ClinVar:

NM_000179.3(MSH6):c.496dup (p.Tyr166fs)

Gene: MSH6 (mutS homolog 6; plus strand). Cytogenetic location: 2p16.3.
Variant type: Duplication.
Coding change: c.496dup on transcript NM_000179.3 (MANE Select); coding-DNA position 496, one base duplicated (T; older notation c.496dupT).
Protein change: p.Tyr166fs; shifts the reading frame from tyrosine 166.
Molecular consequence: frameshift variant. On other transcripts: 5 prime UTR variant (1), intron variant (2).
Genome position (GRCh38, 1-based): chr2:47,795,932, T duplicated; the last of 5 consecutive T bases (chr2:47,795,928-47,795,932); duplicating any one gives the same sequence. VCF-style (leftmost placement, unchanged base first): chr2-47795927-A-AT. GRCh37 (hg19) VCF-style: chr2-48023066-A-AT.
Other names: c.-407dup (NM_001281494.2); c.-279-2679dup (NM_001281493.2); c.238-2679dup (NM_001281492.2); c.496dupT (NM_000179.2); short protein forms Y166fs.
Identifiers: ClinVar variation 486915 (VCV000486915.6), dbSNP rs1553411409, ClinGen allele CA658655689.

ClinVar aggregate classification (germline): Pathogenic. Review status: criteria provided, multiple submitters, no conflicts (2 of 4 stars). 2 submissions from 2 submitters: Pathogenic (2). Last evaluated 2023-08-10.

Conditions:
Hereditary cancer-predisposing syndrome. Also called: Tumor predisposition; Hereditary Cancer Syndrome; Hereditary neoplastic syndrome; Neoplastic Syndromes, Hereditary. Identifiers: Orphanet 140162, MedGen C0027672, MeSH D009386, MONDO:0015356.
Lynch syndrome 5 (LYNCH5). Also called: Hereditary non-polyposis colorectal cancer, type 5; Colorectal cancer, hereditary nonpolyposis, type 5. Identifiers: Orphanet 144, MedGen C1833477, MONDO:0013710, OMIM 614350. Disease mechanism: loss of function.

Submissions (2):

Myriad Genetics, Inc.
Classification: Pathogenic for Lynch syndrome 5. Last evaluated: 2023-08-10. Review status: criteria provided, single submitter. Criteria: Myriad Autosomal Dominant, Autosomal Recessive and X-Linked Classification Criteria (2023). Collection method: clinical testing. Allele origin: unknown.
Comment: This variant is considered pathogenic. This variant creates a frameshift predicted to result in premature protein truncation.

Ambry Genetics
Classification: Pathogenic for Hereditary cancer-predisposing syndrome. Last evaluated: 2022-03-18. Review status: criteria provided, single submitter. Criteria: Ambry Variant Classification Scheme 2023. Collection method: clinical testing. Allele origin: germline.
Comment: The c.496dupT pathogenic mutation, located in coding exon 3 of the MSH6 gene, results from a duplication of T at nucleotide position 496, causing a translational frameshift with a predicted alternate stop codon (p.Y166Lfs*6). This alteration is expected to result in loss of function by premature protein truncation or nonsense-mediated mRNA decay. As such, this alteration is interpreted as a disease-causing mutation.